The following is an entry in ClinVar:

NM_001114753.3(ENG):c.-123G>A

Gene: ENG (endoglin; minus strand). Cytogenetic location: 9q34.11.
Variant type: single nucleotide variant.
Coding change: c.-123G>A on transcript NM_001114753.3 (MANE Select); 123 bases upstream of the start codon, G replaced by A.
Molecular consequence: 5 prime UTR variant.
Genome position (GRCh38, 1-based): chr9:127,854,478, C>T on the plus strand (G>A on the coding strand, the complement: ENG is on the minus strand). VCF-style: chr9-127854478-C-T. GRCh37 (hg19) VCF-style: chr9-130616757-C-T.
Other names: c.-123G>A (NM_000118.4, NM_001406715.1).
Identifiers: ClinVar variation 2916454 (VCV002916454.2), dbSNP rs548024640, ClinGen allele CA200326848.
Genomic context (GRCh38, chr9:127,854,478, plus strand): 5'-GGGCACCGGGGCCGGCGTGGGCTCGCACGGGGACCCGAGGGGAGCAGGCGGCCGGAGCGA[C>T]GGCGTCCCTGCTCCAGCCTTCTGGGGTGGCGGCCGAGGGGTCAGGAGAAGTGGACACAGG-3'

ClinVar aggregate classification (germline): Conflicting classifications of pathogenicity. Review status: criteria provided, conflicting classifications (1 of 4 stars). 2 submissions from 2 submitters: Uncertain significance (1); Likely benign (1). Last evaluated 2024-01-16.

Conditions:
Hereditary hemorrhagic telangiectasia (HHT). Also called: ORW DISEASE; Osler Weber Rendu syndrome; OSLER-RENDU-WEBER DISEASE; Osler hemorrhagic telangiectasia syndrome. Identifiers: Orphanet 774, MedGen C0039445, MONDO:0019180. Disease mechanism: loss of function.

Allele frequency attached by ClinVar (database versions not stated): gnomAD exomes 0.00003; TOPMed 0.00009; gnomAD 0.00011; 1000 Genomes Project 0.00020; 1000 Genomes Project 30x 0.00031.
gnomAD v4.1: 47 of 1,065,964 alleles (0.0044%); highest among the groups gnomAD compares: African/African-American, 0.034%; no homozygotes.

Submissions (2):

Labcorp Genetics (formerly Invitae), Labcorp
Classification: Uncertain significance for Hereditary hemorrhagic telangiectasia. Last evaluated: 2024-01-16. Review status: criteria provided, single submitter. Criteria: Invitae Variant Classification Sherloc (09022015). Collection method: clinical testing. Allele origin: germline.
Comment: This variant occurs in a non-coding region of the ENG gene. It does not change the encoded amino acid sequence of the ENG protein. This variant is present in population databases (rs548024640, gnomAD 0.01%). This variant has not been reported in the literature in individuals affected with ENG-related conditions. In summary, the available evidence is currently insufficient to determine the role of this variant in disease. Therefore, it has been classified as a Variant of Uncertain Significance.

Blueprint Genetics
Classification: Likely benign. Last evaluated: 2023-09-14. Review status: criteria provided, single submitter. Criteria: ACMG Guidelines, 2015. Collection method: clinical testing. Allele origin: germline.